The following is an entry in ClinVar:

NM_024700.4(SNIP1):c.965G>A (p.Arg322Gln)

Gene: SNIP1 (Smad nuclear interacting protein 1; minus strand). Cytogenetic location: 1p34.3.
Variant type: single nucleotide variant.
Coding change: c.965G>A on transcript NM_024700.4 (MANE Select); coding-DNA position 965, G replaced by A.
Protein change: p.Arg322Gln; replaces arginine 322 with glutamine.
Molecular consequence: missense variant.
Genome position (GRCh38, 1-based): chr1:37,537,974, C>T on the plus strand (G>A on the coding strand, the complement: SNIP1 is on the minus strand). VCF-style: chr1-37537974-C-T. GRCh37 (hg19) VCF-style: chr1-38003575-C-T.
Other names: short protein forms R322Q.
Identifiers: ClinVar variation 2335537 (VCV002335537.5), dbSNP rs761477965, ClinGen allele CA771225.

ClinVar aggregate classification (germline): Uncertain significance. Review status: criteria provided, multiple submitters, no conflicts (2 of 4 stars). 2 submissions from 2 submitters: Uncertain significance (2). Last evaluated 2023-10-08.

Allele frequency attached by ClinVar (database versions not stated): TOPMed below 0.00001; ExAC 0.00002.
gnomAD v4.1: 16 of 1,613,790 alleles (0.00099%); highest among the groups gnomAD compares: Non-Finnish European, 0.0012%; no homozygotes.

Submissions (2):

Labcorp Genetics (formerly Invitae), Labcorp
Classification: Uncertain significance. Last evaluated: 2023-10-08. Review status: criteria provided, single submitter. Criteria: Invitae Variant Classification Sherloc (09022015). Collection method: clinical testing. Allele origin: germline.
Comment: This sequence change replaces arginine, which is basic and polar, with glutamine, which is neutral and polar, at codon 322 of the SNIP1 protein (p.Arg322Gln). This variant is present in population databases (rs761477965, gnomAD 0.004%). This variant has not been reported in the literature in individuals affected with SNIP1-related conditions. ClinVar contains an entry for this variant (Variation ID: 2335537). Advanced modeling of protein sequence and biophysical properties (such as structural, functional, and spatial information, amino acid conservation, physicochemical variation, residue mobility, and thermodynamic stability) performed at Invitae indicates that this missense variant is not expected to disrupt SNIP1 protein function. In summary, the available evidence is currently insufficient to determine the role of this variant in disease. Therefore, it has been classified as a Variant of Uncertain Significance.

Ambry Genetics
Classification: Uncertain significance. Last evaluated: 2022-12-15. Review status: criteria provided, single submitter. Criteria: Ambry Variant Classification Scheme 2023. Collection method: clinical testing. Allele origin: germline.